The following is an entry in ClinVar:

NM_003172.4(SURF1):c.512T>C (p.Leu171Pro)

Gene: SURF1 (SURF1 cytochrome c oxidase assembly factor; minus strand). Cytogenetic location: 9q34.2.
Variant type: single nucleotide variant.
Coding change: c.512T>C on transcript NM_003172.4 (MANE Select); coding-DNA position 512, T replaced by C.
Protein change: p.Leu171Pro; replaces leucine 171 with proline.
Molecular consequence: missense variant.
Genome position (GRCh38, 1-based): chr9:133,353,752, A>G on the plus strand (T>C on the coding strand, the complement: SURF1 is on the minus strand). VCF-style: chr9-133353752-A-G. GRCh37 (hg19) VCF-style: chr9-136220607-A-G.
Other names: c.185T>C, p.Leu62Pro (NM_001280787.1); short protein forms L171P, L62P.
Identifiers: ClinVar variation 1426567 (VCV001426567.3), dbSNP rs1836495532, ClinGen allele CA375694126.
Genomic context (GRCh38, chr9:133,353,752, plus strand): 5'-ATTAGTATACCCTGACTGCCTCTGCCAGGACAGCCAGCTCCCACATGTCCTACTCACCCC[A>G]GGTCGGTGCAGTGGAAGGGAGTGACCACATAGGCCCCACTCTGAGTTGAGGAGGAGATGA-3'
Protein context (NP_003163.1, residues 161-181): YVVTPFHCTD[Leu171Pro]GVTILVNRGF

ClinVar aggregate classification (germline): Uncertain significance (1 of 4 stars; one submission).

Conditions:
Leigh syndrome (NULS). Also called: Leigh Disease; Subacute necrotizing encephalopathy; Necrotizing encephalopathy infantile subacute of Leigh; Leigh's syndrome; Leigh's necrotizing encephalopathy; Leigh's disease. Identifiers: Orphanet 506, MedGen C2931891, MONDO:0009723, OMIM 256000.

Allele frequency attached by ClinVar (database versions not stated): TOPMed 0.00001.

Submission:

Labcorp Genetics (formerly Invitae), Labcorp
Classification: Uncertain significance for Leigh syndrome. Last evaluated: 2021-11-04. Review status: criteria provided, single submitter. Criteria: Invitae Variant Classification Sherloc (09022015). Collection method: clinical testing. Allele origin: germline.
Comment: This sequence change replaces leucine, which is neutral and non-polar, with proline, which is neutral and non-polar, at codon 171 of the SURF1 protein (p.Leu171Pro). This variant is not present in population databases (gnomAD no frequency). This variant has not been reported in the literature in individuals affected with SURF1-related conditions. Algorithms developed to predict the effect of missense changes on protein structure and function (SIFT, PolyPhen-2, Align-GVGD) all suggest that this variant is likely to be tolerated. In summary, the available evidence is currently insufficient to determine the role of this variant in disease. Therefore, it has been classified as a Variant of Uncertain Significance.